The following is an entry in ClinVar:

NM_152564.5(VPS13B):c.7311_7312insAGGCA (p.Ala2438fs)

Gene: VPS13B (vacuolar protein sorting 13 homolog B; plus strand). Cytogenetic location: 8q22.2.
Variant type: Insertion.
Coding change: c.7311_7312insAGGCA on transcript NM_152564.5 (MANE Select); coding-DNA positions 7311 to 7312, AGGCA inserted.
Protein change: p.Ala2438fs; shifts the reading frame from alanine 2438.
Molecular consequence: frameshift variant.
Genome position: GRCh38 VCF-style: chr8-99776838-T-TAGGCA. GRCh37 (hg19) VCF-style: chr8-100789066-T-TAGGCA.
Other names: c.7386_7387insAGGCA, p.Ala2463fs (NM_017890.5); short protein forms A2463fs, A2438fs.
Identifiers: ClinVar variation 556489 (VCV000556489.7), dbSNP rs1554952465, ClinGen allele CA915946659.

ClinVar aggregate classification (germline): Pathogenic. Review status: criteria provided, single submitter (1 of 4 stars). 2 submissions from 2 submitters: Pathogenic (1). 1 of the submissions does not count toward it. Last evaluated 2023-09-27.

Conditions:
Cohen syndrome (COH1). Also called: Cutis verticis gyrata, retinitis pigmentosa, and sensorineural deafness; PEPPER SYNDROME. Identifiers: Orphanet 193, MedGen C0265223, MONDO:0008999, OMIM 216550.

Submissions (2):

Labcorp Genetics (formerly Invitae), Labcorp
Classification: Pathogenic for Cohen syndrome. Last evaluated: 2023-09-27. Review status: criteria provided, single submitter. Criteria: Invitae Variant Classification Sherloc (09022015). Collection method: clinical testing. Allele origin: germline.
Comment: For these reasons, this variant has been classified as Pathogenic. ClinVar contains an entry for this variant (Variation ID: 556489). This variant has not been reported in the literature in individuals affected with VPS13B-related conditions. This variant is not present in population databases (gnomAD no frequency). This sequence change creates a premature translational stop signal (p.Ala2463Argfs*39) in the VPS13B gene. It is expected to result in an absent or disrupted protein product. Loss-of-function variants in VPS13B are known to be pathogenic (PMID: 15141358, 16648375, 20461111).

Counsyl
Classification: Likely pathogenic for Cohen syndrome. Last evaluated: 2018-02-01. Review status: no assertion criteria provided. Collection method: clinical testing. Allele origin: unknown. Not counted in ClinVar's aggregate classification.

Literature cited by the submitters: PubMed 15141358 (cited by Labcorp Genetics (formerly Invitae), Labcorp); PubMed 16648375 (cited by Labcorp Genetics (formerly Invitae), Labcorp); PubMed 20461111 (cited by Labcorp Genetics (formerly Invitae), Labcorp).